The following is an entry in ClinVar:

NM_007294.4(BRCA1):c.5265C>A (p.Ser1755=)

Gene: BRCA1 (BRCA1 DNA repair associated; minus strand). Cytogenetic location: 17q21.31.
Variant type: single nucleotide variant.
Coding change: c.5265C>A on transcript NM_007294.4 (MANE Select); coding-DNA position 5265, C replaced by A.
Protein change: p.Ser1755=; no amino-acid change (serine 1755 retained).
Molecular consequence: synonymous variant.
Genome position (GRCh38, 1-based): chr17:43,057,064, G>T on the plus strand (C>A on the coding strand, the complement: BRCA1 is on the minus strand). VCF-style: chr17-43057064-G-T. GRCh37 (hg19) VCF-style: chr17-41209081-G-T.
Other names: c.5121C>A, p.Ser1707= (NM_001407747.1, NM_001407748.1, NM_001407749.1 and 21 more transcripts); c.5118C>A, p.Ser1706= (NM_001407838.1, NM_001407839.1, NM_001407841.1 and 12 more transcripts); c.5265C>A, p.Ser1755= (NM_001407854.1, NM_001407593.1, NM_001407594.1 and 7 more transcripts); c.5262C>A, p.Ser1754= (NM_001407858.1, NM_001407859.1, NM_001407860.1 and 17 more transcripts); c.5259C>A, p.Ser1753= (NM_001407861.1, NM_001407627.1, NM_001407628.1 and 14 more transcripts); c.5064C>A, p.Ser1688= (NM_001407862.1); c.5061C>A, p.Ser1687= (NM_001407863.1); c.5058C>A, p.Ser1686= (NM_001407874.1, NM_001407875.1); and 72 more.
Identifiers: ClinVar variation 868237 (VCV000868237.3), dbSNP rs1555576855, ClinGen allele CA500144528.
Genomic context (GRCh38, chr17:43,057,064, plus strand): 5'-CAGAGTGGTGGGGTGAGATTTTTGTCAACTTGAGGGAGGGAGCTTTACCTTTCTGTCCTG[G>T]GATTCTCTTGCTCGCTTTGGACCTTGGTGGTTTCTTCCATTGACCACATCTCCTCTGACT-3'
Protein context (NP_009225.1, residues 1745-1765): NHQGPKRARE[Ser1755=]QDRKIFRGLE

Conditions:
Breast-ovarian cancer, familial, susceptibility to, 1 (BROVCA1). Also called: BRCA1 Hereditary Breast and Ovarian Cancer; OVARIAN CANCER, SUSCEPTIBILITY TO. Identifiers: Orphanet 145, MedGen C2676676, MONDO:0011450, OMIM 604370. Disease mechanism: loss of function.

Submission:

Brotman Baty Institute, University of Washington
No classification provided (evidence only). Condition: Breast-ovarian cancer, familial 1. Review status: no classification provided. Collection method: in vitro. Allele origin: not applicable. Functional consequence: functionally_normal.
ClinVar note: "not provided" was previously submitted as the classification for the variant. However, the classification appeared to be based only on an observation of functional data so it was converted to no classification on 2025-07-30.